The following is an entry in ClinVar:

NM_001267550.2(TTN):c.87998T>C (p.Ile29333Thr)

Genes: TTN (titin; minus strand), TTN-AS1 (TTN antisense RNA 1; plus strand). Cytogenetic location: 2q31.2.
Variant type: single nucleotide variant.
Coding change: c.87998T>C on transcript NM_001267550.2 (MANE Select); coding-DNA position 87998, T replaced by C.
Protein change: p.Ile29333Thr; replaces isoleucine 29333 with threonine.
Molecular consequence: missense variant.
Genome position (GRCh38, 1-based): chr2:178,557,264, A>G on the plus strand (T>C on the coding strand, the complement: TTN is on the minus strand). VCF-style: chr2-178557264-A-G. GRCh37 (hg19) VCF-style: chr2-179421991-A-G.
Other names: p.I27692T:ATT>ACT; c.83075T>C, p.Ile27692Thr (NM_001256850.1); c.60803T>C, p.Ile20268Thr (NM_003319.4); c.80294T>C, p.Ile26765Thr (NM_133378.4); c.61178T>C, p.Ile20393Thr (NM_133432.3); c.61379T>C, p.Ile20460Thr (NM_133437.4); short protein forms I27692T, I29333T, I20268T, I20393T, I20460T, I26765T.
Identifiers: ClinVar variation 202946 (VCV000202946.3), dbSNP rs764532002, ClinGen allele CA310772.

ClinVar aggregate classification (germline): Uncertain significance. Review status: criteria provided, multiple submitters, no conflicts (2 of 4 stars). 2 submissions from 2 submitters: Uncertain significance (2). Last evaluated 2024-04-08.

Allele frequency attached by ClinVar (database versions not stated): TOPMed 0.00001; gnomAD 0.00001 and below 0.00001; ExAC 0.00002; gnomAD exomes 0.00001.
gnomAD v4.1: 20 of 1,613,756 alleles (0.0012%); highest among the groups gnomAD compares: South Asian, 0.0044%; no homozygotes.

Submissions (2):

Revvity Omics, Revvity
Classification: Uncertain significance. Last evaluated: 2024-04-08. Review status: criteria provided, single submitter. Criteria: ACMG Guidelines, 2015. Collection method: clinical testing. Allele origin: germline.

GeneDx
Classification: Uncertain significance. Last evaluated: 2013-04-03. Review status: criteria provided, single submitter. Criteria: GeneDx Variant Classification (06012015). Collection method: clinical testing. Allele origin: germline. Affected: yes.
Comment: Missense variants in the TTN gene are considered 'unclassified' if they are not previously reported in the literature and do not have >1% frequency in the population to be considered a polymorphism. Research indicates that truncating mutations in the TTN gene are expected to account for approximately 25% of familial and 18% of sporadic idiopathic DCM; however, truncating variants in the TTN gene have been reported in approximately 3% of reported control alleles. There has been little investigation into non-truncating variants. (Herman D et al. Truncations of titin causing dilated cardiomyopathy. N Eng J Med 366:619-628, 2012) The variant is found in DCM panel(s).